The following is an entry in ClinVar:

ClinVar aggregate classification (germline): Uncertain significance. Review status: criteria provided, multiple submitters, no conflicts (2 of 4 stars). 2 submissions from 2 submitters: Uncertain significance (2). Last evaluated 2025-10-01.

Conditions:
Inborn genetic diseases. Identifiers: MedGen C0950123, MeSH D030342.

Allele frequency attached by ClinVar (database versions not stated): gnomAD 0.00002 and 0.00003; gnomAD exomes 0.00002 and 0.00004; ExAC 0.00003; TOPMed 0.00003.
gnomAD v4.1: 63 of 1,612,282 alleles (0.0039%); highest among the groups gnomAD compares: South Asian, 0.0088%; no homozygotes.

Submissions (2):

Labcorp Genetics (formerly Invitae), Labcorp
Classification: Uncertain significance. Last evaluated: 2025-10-01. Review status: criteria provided, single submitter. Criteria: Invitae Variant Classification Sherloc (09022015). Collection method: clinical testing. Allele origin: germline.
Comment: This sequence change replaces arginine, which is basic and polar, with glutamine, which is neutral and polar, at codon 508 of the TNNI3K protein (p.Arg508Gln). This variant is present in population databases (rs202205355, gnomAD 0.01%). This variant has not been reported in the literature in individuals affected with TNNI3K-related conditions. ClinVar contains an entry for this variant (Variation ID: 1414910). Invitae Evidence Modeling of protein sequence and biophysical properties (such as structural, functional, and spatial information, amino acid conservation, physicochemical variation, residue mobility, and thermodynamic stability) indicates that this missense variant is not expected to disrupt TNNI3K protein function with a negative predictive value of 80%. In summary, the available evidence is currently insufficient to determine the role of this variant in disease. Therefore, it has been classified as a Variant of Uncertain Significance.

Ambry Genetics
Classification: Uncertain significance for Inborn genetic diseases. Last evaluated: 2025-07-02. Review status: criteria provided, single submitter. Criteria: Ambry Variant Classification Scheme 2023. Collection method: clinical testing. Allele origin: germline.

NM_015978.3(TNNI3K):c.1523G>A (p.Arg508Gln)

Genes: FPGT-TNNI3K (FPGT-TNNI3K readthrough; plus strand), TNNI3K (TNNI3 interacting kinase; plus strand). Cytogenetic location: 1p31.1.
Variant type: single nucleotide variant.
Coding change: c.1523G>A on transcript NM_015978.3 (MANE Select); coding-DNA position 1523, G replaced by A.
Protein change: p.Arg508Gln; replaces arginine 508 with glutamine.
Molecular consequence: missense variant.
Genome position (GRCh38, 1-based): chr1:74,369,441, G>A. VCF-style: chr1-74369441-G-A. GRCh37 (hg19) VCF-style: chr1-74835125-G-A.
Other names: c.1523G>A (NM_015978.2); c.1826G>A, p.Arg609Gln (NM_001112808.3, NM_001199327.2); short protein forms R508Q, R609Q.
Identifiers: ClinVar variation 1414910 (VCV001414910.9), dbSNP rs202205355, ClinGen allele CA909322.